The following is an entry in ClinVar:

NM_001004334.4(GPR179):c.3055C>T (p.His1019Tyr)

Gene: GPR179 (G protein-coupled receptor 179; minus strand). Cytogenetic location: 17q12.
Variant type: single nucleotide variant.
Coding change: c.3055C>T on transcript NM_001004334.4 (MANE Select); coding-DNA position 3055, C replaced by T.
Protein change: p.His1019Tyr; replaces histidine 1019 with tyrosine.
Molecular consequence: missense variant.
Genome position (GRCh38, 1-based): chr17:38,330,514, G>A on the plus strand (C>T on the coding strand, the complement: GPR179 is on the minus strand). VCF-style: chr17-38330514-G-A. GRCh37 (hg19) VCF-style: chr17-36486397-G-A.
Other names: short protein forms H1019Y.
Identifiers: ClinVar variation 1903142 (VCV001903142.3), dbSNP rs895807376, ClinGen allele CA290105399.
Genomic context (GRCh38, chr17:38,330,514, plus strand): 5'-TCTCTACTGCAACAGAGAGGGCCCTCCAGAGCCTGGCTCGAGCTGGGGCAGGGGAGTGGT[G>A]GCCTCGCTCTGGCCCTGAGGGGCCTTCCTGGGGCACATTTTCTTGCTTGGCTGGCAGTTC-3'
Protein context (NP_001004334.3, residues 1009-1029): QEGPSGPERG[His1019Tyr]HSPAPARARL

ClinVar aggregate classification (germline): Uncertain significance (1 of 4 stars; one submission).

Allele frequency attached by ClinVar (database versions not stated): gnomAD 0.00001; gnomAD exomes 0.00001; TOPMed 0.00002.
gnomAD v4.1: 5 of 1,553,396 alleles (0.00032%); highest among the groups gnomAD compares: Admixed American, 0.0059%; no homozygotes.

Submission:

Labcorp Genetics (formerly Invitae), Labcorp
Classification: Uncertain significance. Last evaluated: 2022-08-06. Review status: criteria provided, single submitter. Criteria: Invitae Variant Classification Sherloc (09022015). Collection method: clinical testing. Allele origin: germline.
Comment: In summary, the available evidence is currently insufficient to determine the role of this variant in disease. Therefore, it has been classified as a Variant of Uncertain Significance. Algorithms developed to predict the effect of missense changes on protein structure and function (SIFT, PolyPhen-2, Align-GVGD) all suggest that this variant is likely to be tolerated. This variant has not been reported in the literature in individuals affected with GPR179-related conditions. This variant is not present in population databases (gnomAD no frequency). This sequence change replaces histidine, which is basic and polar, with tyrosine, which is neutral and polar, at codon 1019 of the GPR179 protein (p.His1019Tyr).